The following is an entry in ClinVar:

NM_000052.7(ATP7A):c.1336+3A>G

Gene: ATP7A (ATPase copper transporting alpha; plus strand). Cytogenetic location: Xq21.1.
Variant type: single nucleotide variant.
Coding change: c.1336+3A>G on transcript NM_000052.7 (MANE Select); 3 bases into the intron after coding-DNA position 1336, A replaced by G.
Molecular consequence: intron variant.
Genome position (GRCh38, 1-based): chrX:77,989,961, A>G. VCF-style: chrX-77989961-A-G. GRCh37 (hg19) VCF-style: chrX-77245457-A-G.
Other names: c.1336+3A>G (NM_001282224.2).
Identifiers: ClinVar variation 2000571 (VCV002000571.4), dbSNP rs2522295527, ClinGen allele CA2580101480.

ClinVar aggregate classification (germline): Uncertain significance (1 of 4 stars; one submission).

Conditions:
Menkes kinky-hair syndrome (MNK). Also called: Copper transport disease; Menkes Disease; Classic Menkes Disease. Identifiers: Orphanet 565, MedGen C0022716, MONDO:0010651, OMIM 309400.
Cutis laxa, X-linked (OHS). Also called: EDS IX; Occipital horn syndrome. Identifiers: Orphanet 198, MedGen C0268353, MONDO:0010572, OMIM 304150.
X-linked distal spinal muscular atrophy type 3. Also called: ATP7A-Related Distal Motor Neuropathy; SPINAL MUSCULAR ATROPHY, DISTAL, X-LINKED RECESSIVE; NEURONOPATHY, DISTAL HEREDITARY MOTOR, X-LINKED; NEUROPATHY, DISTAL HEREDITARY MOTOR, X-LINKED. Identifiers: Orphanet 139557, MedGen C1845359, MONDO:0010338, OMIM 300489.

Submission:

Labcorp Genetics (formerly Invitae), Labcorp
Classification: Uncertain significance for X-linked distal spinal muscular atrophy type 3; Cutis laxa, X-linked; Menkes kinky-hair syndrome. Last evaluated: 2024-10-23. Review status: criteria provided, single submitter. Criteria: Invitae Variant Classification Sherloc (09022015). Collection method: clinical testing. Allele origin: germline.
Comment: This sequence change falls in intron 4 of the ATP7A gene. It does not directly change the encoded amino acid sequence of the ATP7A protein. It affects a nucleotide within the consensus splice site. This variant is not present in population databases (gnomAD no frequency). This variant has not been reported in the literature in individuals affected with ATP7A-related conditions. ClinVar contains an entry for this variant (Variation ID: 2000571). Variants that disrupt the consensus splice site are a relatively common cause of aberrant splicing (PMID: 17576681, 9536098). Algorithms developed to predict the effect of sequence changes on RNA splicing suggest that this variant is not likely to affect RNA splicing. In summary, the available evidence is currently insufficient to determine the role of this variant in disease. Therefore, it has been classified as a Variant of Uncertain Significance.

Literature cited by the submitters: PubMed 17576681; PubMed 9536098.